The following is an entry in ClinVar:

ClinVar aggregate classification (germline): Pathogenic. Review status: criteria provided, single submitter (1 of 4 stars). 2 submissions from 2 submitters: Pathogenic (1). 1 of the submissions does not count toward it. Last evaluated 2017-10-05.

Conditions:
Ehlers-Danlos syndrome, type 4 (EDSVASC). Also called: Ehlers-Danlos syndrome vascular type; Ehlers Danlos syndrome, ecchymotic type; Ehlers Danlos syndrome, arterial type; Ehlers Danlos syndrome, Sack-Barabas type; Ehlers-Danlos Syndrome Type IV. Identifiers: Orphanet 286, MedGen C0268338, MONDO:0017314, OMIM 130050.

Submissions (2):

Labcorp Genetics (formerly Invitae), Labcorp
Classification: Pathogenic for Ehlers-Danlos syndrome, type 4. Last evaluated: 2017-10-05. Review status: criteria provided, single submitter. Criteria: Invitae Variant Classification Sherloc (09022015). Collection method: clinical testing. Allele origin: germline.
Comment: This variant is not present in population databases (ExAC no frequency). For these reasons, this variant has been classified as Pathogenic. Loss-of-function variants in COL3A1 are known to be pathogenic (PMID: 24922459). This variant has been reported in an individual affected with Ehlers–Danlos syndrome (PMID: 24922459). ClinVar contains an entry for this variant (Variation ID: 101464). This sequence change creates a premature translational stop signal (p.Gly537Alafs*254) in the COL3A1 gene. It is expected to result in an absent or disrupted protein product.

Collagen Diagnostic Laboratory, University of Washington
Classification: Pathogenic for Ehlers-Danlos syndrome, type 4. Review status: no assertion criteria provided. Collection method: clinical testing. Allele origin: germline. Affected: yes. Not counted in ClinVar's aggregate classification.

Literature cited by the submitters: PubMed 24922459 (cited by Labcorp Genetics (formerly Invitae), Labcorp).

NM_000090.3(COL3A1):c.1610delG

Gene: COL3A1 (collagen type III alpha 1 chain; plus strand). Cytogenetic location: 2q32.2.
Variant type: Deletion.
Coding change: c.1610delG on transcript NM_000090.3; coding-DNA position 1610, one base deleted (G).
Genome position (GRCh38, 1-based): chr2:188,996,126, G deleted; the last of 3 consecutive G bases (chr2:188,996,124-188,996,126); deleting any one gives the same sequence. VCF-style (leftmost placement, unchanged base first): chr2-188996123-AG-A. GRCh37 (hg19) VCF-style: chr2-189860849-AG-A.
Identifiers: ClinVar variation 101464 (VCV000101464.11), dbSNP rs587779702, ClinGen allele CA004362.
Genomic context (GRCh38, chr2:188,996,123, plus strand): 5'-GTATGTAGTAATTTTTTATTATTTCATTTTAAATCACCTAACAACTGACTTCTTTACTTC[AG>A]GGCATGCCCGGAAGTCCAGGAGGACCAGGAAGTGATGGGAAACCAGGGCCTCCCGTATGT-3'